The following is an entry in ClinVar:

ClinVar aggregate classification (germline): Likely pathogenic (1 of 4 stars; one submission).

Allele frequency attached by ClinVar (database versions not stated): gnomAD 0.00001; gnomAD exomes 0.00002 and 0.00007; TOPMed 0.00003; ExAC 0.00004.

Submission:

GeneDx
Classification: Likely pathogenic. Last evaluated: 2025-03-03. Review status: criteria provided, single submitter. Criteria: GeneDx Variant Classification Process June 2021. Collection method: clinical testing. Allele origin: germline. Affected: yes.
Comment: Canonical splice site variant predicted to result in a null allele in a gene for which loss of function is a known mechanism of disease; Not observed at significant frequency in large population cohorts (gnomAD); Has not been previously published as pathogenic or benign to our knowledge

NM_020442.6(VARS2):c.1735+1G>T

Genes: VARS2 (valyl-tRNA synthetase 2, mitochondrial; plus strand), LOC126859646 (MED14-independent group 3 enhancer GRCh37_chr6:30889690-30890889; plus strand). Cytogenetic location: 6p21.33.
Variant type: single nucleotide variant.
Coding change: c.1735+1G>T on transcript NM_020442.6 (MANE Select); the canonical splice donor site of the intron after coding-DNA position 1735, G replaced by T.
Molecular consequence: splice donor variant.
Genome position (GRCh38, 1-based): chr6:30,921,692, G>T. VCF-style: chr6-30921692-G-T. GRCh37 (hg19) VCF-style: chr6-30889469-G-T.
Other names: c.1825+1G>T (NM_001167734.2); c.1315+1G>T (NM_001167733.3).
Identifiers: ClinVar variation 1343057 (VCV001343057.3), dbSNP rs763285420, ClinGen allele CA3706013.